The following is an entry in ClinVar:

NM_006231.4(POLE):c.5407G>C (p.Val1803Leu)

Gene: POLE (DNA polymerase epsilon, catalytic subunit; minus strand). Cytogenetic location: 12q24.33.
Variant type: single nucleotide variant.
Coding change: c.5407G>C on transcript NM_006231.4 (MANE Select); coding-DNA position 5407, G replaced by C.
Protein change: p.Val1803Leu; replaces valine 1803 with leucine.
Molecular consequence: missense variant.
Genome position (GRCh38, 1-based): chr12:132,639,270, C>G on the plus strand (G>C on the coding strand, the complement: POLE is on the minus strand). VCF-style: chr12-132639270-C-G. GRCh37 (hg19) VCF-style: chr12-133215856-C-G.
Other names: short protein forms V1803L.
Identifiers: ClinVar variation 3646678 (VCV003646678.2).
Genomic context (GRCh38, chr12:132,639,270, plus strand): 5'-GGTAGAAGTGCATCACCTGGTTGTCTGCATAGATGTTGTGGTACTGGGTGATCTCCTTCA[C>G]CCAGCCCACGACCATGCTCTTCAGGATCCTGAAAGAGAAGGTGCACGACACCCTCGTACC-3'
Protein context (NP_006222.2, residues 1793-1813): RILKSMVVGW[Val1803Leu]KEITQYHNIY

ClinVar aggregate classification (germline): Uncertain significance (1 of 4 stars; one submission).

Submission:

Labcorp Genetics (formerly Invitae), Labcorp
Classification: Uncertain significance. Last evaluated: 2024-03-19. Review status: criteria provided, single submitter. Criteria: Invitae Variant Classification Sherloc (09022015). Collection method: clinical testing. Allele origin: germline.
Comment: This sequence change replaces valine, which is neutral and non-polar, with leucine, which is neutral and non-polar, at codon 1803 of the POLE protein (p.Val1803Leu). This variant is not present in population databases (gnomAD no frequency). This variant has not been reported in the literature in individuals affected with POLE-related conditions. Advanced modeling of protein sequence and biophysical properties (such as structural, functional, and spatial information, amino acid conservation, physicochemical variation, residue mobility, and thermodynamic stability) performed at Invitae indicates that this missense variant is not expected to disrupt POLE protein function with a negative predictive value of 80%. In summary, the available evidence is currently insufficient to determine the role of this variant in disease. Therefore, it has been classified as a Variant of Uncertain Significance.